The following is an entry in ClinVar:

ClinVar aggregate classification (germline): Uncertain significance (1 of 4 stars; one submission).

Allele frequency attached by ClinVar (database versions not stated): gnomAD 0.00001; TOPMed 0.00002.
gnomAD v4.1: 23 of 1,613,978 alleles (0.0014%); highest among the groups gnomAD compares: Non-Finnish European, 0.0019%; no homozygotes.

Submission:

Labcorp Genetics (formerly Invitae), Labcorp
Classification: Uncertain significance. Last evaluated: 2025-03-19. Review status: criteria provided, single submitter. Criteria: Invitae Variant Classification Sherloc (09022015). Collection method: clinical testing. Allele origin: germline.
Comment: This sequence change replaces arginine, which is basic and polar, with glycine, which is neutral and non-polar, at codon 42 of the SLC12A6 protein (p.Arg42Gly). This variant is present in population databases (no rsID available, gnomAD 0.003%). This variant has not been reported in the literature in individuals affected with SLC12A6-related conditions. ClinVar contains an entry for this variant (Variation ID: 2202161). Invitae Evidence Modeling of protein sequence and biophysical properties (such as structural, functional, and spatial information, amino acid conservation, physicochemical variation, residue mobility, and thermodynamic stability) indicates that this missense variant is not expected to disrupt SLC12A6 protein function with a negative predictive value of 95%. In summary, the available evidence is currently insufficient to determine the role of this variant in disease. Therefore, it has been classified as a Variant of Uncertain Significance.

NM_001365088.1(SLC12A6):c.124C>G (p.Arg42Gly)

Gene: SLC12A6 (solute carrier family 12 member 6; minus strand). Cytogenetic location: 15q14.
Variant type: single nucleotide variant.
Coding change: c.124C>G on transcript NM_001365088.1 (MANE Select); coding-DNA position 124, C replaced by G.
Protein change: p.Arg42Gly; replaces arginine 42 with glycine.
Molecular consequence: missense variant. On other transcripts: 5 prime UTR variant (2).
Genome position (GRCh38, 1-based): chr15:34,336,557, G>C on the plus strand (C>G on the coding strand, the complement: SLC12A6 is on the minus strand). VCF-style: chr15-34336557-G-C. GRCh37 (hg19) VCF-style: chr15-34628758-G-C.
Other names: c.-54C>G (NM_001042494.2, NM_001042495.2); c.97C>G, p.Arg33Gly (NM_001042496.2); c.124C>G, p.Arg42Gly (NM_001042497.2, NM_133647.2); short protein forms R33G, R42G.
Identifiers: ClinVar variation 2202161 (VCV002202161.4), dbSNP rs916432017, ClinGen allele CA268641787.